The following is an entry in ClinVar:

NM_000263.4(NAGLU):c.1892G>A (p.Ser631Asn)

Gene: NAGLU (N-acetyl-alpha-glucosaminidase; plus strand). Cytogenetic location: 17q21.2.
Variant type: single nucleotide variant.
Coding change: c.1892G>A on transcript NM_000263.4 (MANE Select); coding-DNA position 1892, G replaced by A.
Protein change: p.Ser631Asn; replaces serine 631 with asparagine.
Molecular consequence: missense variant.
Genome position (GRCh38, 1-based): chr17:42,543,898, G>A. VCF-style: chr17-42543898-G-A. GRCh37 (hg19) VCF-style: chr17-40695916-G-A.
Other names: short protein forms S631N.
Identifiers: ClinVar variation 1429094 (VCV001429094.6), dbSNP rs1227171021, ClinGen allele CA399605393.

ClinVar aggregate classification (germline): Uncertain significance (1 of 4 stars; one submission).

Conditions:
Mucopolysaccharidosis, MPS-III-B (MPS3B). Also called: N-ACETYL-ALPHA-D-GLUCOSAMINIDASE DEFICIENCY; NAGLU DEFICIENCY; SANFILIPPO SYNDROME B; MPS III B; MPS IIIB (Sanfilippo Syndrome Type B); MUCOPOLYSACCHARIDOSIS, TYPE IIIB. Identifiers: Orphanet 79270, MedGen C0086648, MONDO:0009656, OMIM 252920.
Charcot-Marie-Tooth disease axonal type 2V. Also called: CHARCOT-MARIE-TOOTH NEUROPATHY, TYPE 2V; CHARCOT-MARIE-TOOTH DISEASE, AXONAL, AUTOSOMAL DOMINANT, TYPE 2V. Identifiers: Orphanet 447964, MedGen C5569050, MONDO:0014665, OMIM 616491.

Allele frequency attached by ClinVar (database versions not stated): gnomAD 0.00001; TOPMed below 0.00001; gnomAD exomes below 0.00001.
gnomAD v4.1: 2 of 1,605,410 alleles (0.00012%); highest among the groups gnomAD compares: South Asian, 0.0011%; no homozygotes.

Submission:

Labcorp Genetics (formerly Invitae), Labcorp
Classification: Uncertain significance for Charcot-Marie-Tooth disease axonal type 2V; Mucopolysaccharidosis, MPS-III-B. Last evaluated: 2024-10-28. Review status: criteria provided, single submitter. Criteria: Invitae Variant Classification Sherloc (09022015). Collection method: clinical testing. Allele origin: germline.
Comment: This sequence change replaces serine, which is neutral and polar, with asparagine, which is neutral and polar, at codon 631 of the NAGLU protein (p.Ser631Asn). This variant is not present in population databases (gnomAD no frequency). This variant has not been reported in the literature in individuals affected with NAGLU-related conditions. ClinVar contains an entry for this variant (Variation ID: 1429094). Invitae Evidence Modeling of protein sequence and biophysical properties (such as structural, functional, and spatial information, amino acid conservation, physicochemical variation, residue mobility, and thermodynamic stability) indicates that this missense variant is not expected to disrupt NAGLU protein function with a negative predictive value of 80%. In summary, the available evidence is currently insufficient to determine the role of this variant in disease. Therefore, it has been classified as a Variant of Uncertain Significance.